The following is an entry in ClinVar:

ClinVar aggregate classification (germline): Pathogenic (1 of 4 stars; one submission).

Conditions:
Glycine encephalopathy. Also called: Non-ketotic hyperglycinemia; Nonketotic hyperglycinemia. Identifiers: Orphanet 407, MedGen C0751748, MONDO:0011612, HP:0008288.

Submission:

Labcorp Genetics (formerly Invitae), Labcorp
Classification: Pathogenic for Glycine encephalopathy. Last evaluated: 2022-04-09. Review status: criteria provided, single submitter. Criteria: Invitae Variant Classification Sherloc (09022015). Collection method: clinical testing. Allele origin: germline.
Comment: ClinVar contains an entry for this variant (Variation ID: 565538). Algorithms developed to predict the effect of sequence changes on RNA splicing suggest that this variant may create or strengthen a splice site. For these reasons, this variant has been classified as Pathogenic. This variant has not been reported in the literature in individuals affected with AMT-related conditions. This sequence change creates a premature translational stop signal (p.Trp55*) in the AMT gene. It is expected to result in an absent or disrupted protein product. Loss-of-function variants in AMT are known to be pathogenic (PMID: 16450403). This variant is not present in population databases (gnomAD no frequency).

Literature cited by the submitters: PubMed 16450403.

NM_000481.4(AMT):c.164G>A (p.Trp55Ter)

Gene: AMT (aminomethyltransferase; minus strand). Cytogenetic location: 3p21.31.
Variant type: single nucleotide variant.
Coding change: c.164G>A on transcript NM_000481.4 (MANE Select); coding-DNA position 164, G replaced by A.
Protein change: p.Trp55Ter; replaces tryptophan 55 with a stop codon.
Molecular consequence: nonsense. On other transcripts: non-coding transcript variant (1), intron variant (1).
Genome position (GRCh38, 1-based): chr3:49,422,198, C>T on the plus strand (G>A on the coding strand, the complement: AMT is on the minus strand). VCF-style: chr3-49422198-C-T. GRCh37 (hg19) VCF-style: chr3-49459631-C-T.
Other names: c.164G>A, p.Trp55Ter (NM_001164710.2, NM_001164712.2); c.90+163G>A (NM_001164711.2); short protein forms W55*.
Identifiers: ClinVar variation 565538 (VCV000565538.8), dbSNP rs1559530507, ClinGen allele CA352791204.